The following is an entry in ClinVar:

NM_000540.3(RYR1):c.10932G>C (p.Leu3644=)

Gene: RYR1 (ryanodine receptor 1; plus strand). Cytogenetic location: 19q13.2.
Variant type: single nucleotide variant.
Coding change: c.10932G>C on transcript NM_000540.3 (MANE Select); coding-DNA position 10932, G replaced by C.
Protein change: p.Leu3644=; no amino-acid change (leucine 3644 retained).
Molecular consequence: synonymous variant.
Genome position (GRCh38, 1-based): chr19:38,528,413, G>C. VCF-style: chr19-38528413-G-C. GRCh37 (hg19) VCF-style: chr19-39019053-G-C.
Other names: c.10917G>C, p.Leu3639= (NM_001042723.2).
Identifiers: ClinVar variation 755369 (VCV000755369.11), dbSNP rs1423966462, ClinGen allele CA507354765.

ClinVar aggregate classification (germline): Likely benign. Review status: criteria provided, multiple submitters, no conflicts (2 of 4 stars). 3 submissions from 3 submitters: Likely benign (3). Last evaluated 2023-11-20.

Conditions:
RYR1-related disorder. Also called: RYR1-related disorders; RYR1-related condition. Identifiers: MedGen CN239331.
Malignant hyperthermia, susceptibility to, 1 (MHS1). Also called: RYR1-Related Malignant Hyperthermia Susceptibility; Malignant hyperthermia suceptibility 1; Anesthesia related hyperthermia; Malignant hyperpyrexia; Fulminating hyperpyrexia; Pharmacogenic myopathy. Identifiers: Orphanet 423, MedGen C2930980, MONDO:0007783, OMIM 145600.

Allele frequency attached by ClinVar (database versions not stated): gnomAD exomes below 0.00001 and 0.00001; gnomAD 0.00001; TOPMed 0.00001.
gnomAD v4.1: 4 of 1,613,958 alleles (0.00025%); highest among the groups gnomAD compares: Middle Eastern, 0.016%; no homozygotes.

Submissions (3):

All of Us Research Program, National Institutes of Health
Classification: Likely benign for Malignant hyperthermia, susceptibility to, 1. Last evaluated: 2023-11-20. Review status: criteria provided, single submitter. Criteria: ACMG Guidelines, 2015. Collection method: clinical testing. Allele origin: germline. Inheritance: Autosomal dominant inheritance. Observed: 2 variant alleles, 2 heterozygotes.
Comment: This study involves interpretation of variants in research participants for the purpose of population health screening. Participant phenotype was not available at the time of variant classification. Additional details can be found in publication PMID: 35346344, PMCID: PMC8962531

Labcorp Genetics (formerly Invitae), Labcorp
Classification: Likely benign for RYR1-related disorder. Last evaluated: 2023-11-07. Review status: criteria provided, single submitter. Criteria: Invitae Variant Classification Sherloc (09022015). Collection method: clinical testing. Allele origin: germline.

Color Diagnostics, LLC DBA Color Health
Classification: Likely benign for Malignant hyperthermia, susceptibility to, 1. Last evaluated: 2023-05-24. Review status: criteria provided, single submitter. Criteria: ACMG Guidelines, 2015. Collection method: clinical testing. Allele origin: germline.